The following is an entry in ClinVar:

ClinVar aggregate classification (germline): Uncertain significance (1 of 4 stars; one submission).

Conditions:
Hereditary cancer-predisposing syndrome. Also called: Tumor predisposition; Hereditary neoplastic syndrome; Neoplastic Syndromes, Hereditary; Hereditary Cancer Syndrome. Identifiers: Orphanet 140162, MedGen C0027672, MeSH D009386, MONDO:0015356.

Submission:

Ambry Genetics
Classification: Uncertain significance for Hereditary cancer-predisposing syndrome. Last evaluated: 2025-04-16. Review status: criteria provided, single submitter. Criteria: Ambry Variant Classification Scheme 2023. Collection method: clinical testing. Allele origin: germline.
Comment: The p.Q32K variant (also known as c.94C>A), located in coding exon 2 of the EGFR gene, results from a C to A substitution at nucleotide position 94. The glutamine at codon 32 is replaced by lysine, an amino acid with similar properties. This amino acid position is well conserved in available vertebrate species. In addition, the in silico prediction for this alteration is inconclusive. Based on the available evidence, the clinical significance of this variant remains unclear.

NM_005228.5(EGFR):c.94C>A (p.Gln32Lys)

Gene: EGFR (epidermal growth factor receptor; plus strand). Cytogenetic location: 7p11.2.
Variant type: single nucleotide variant.
Coding change: c.94C>A on transcript NM_005228.5 (MANE Select); coding-DNA position 94, C replaced by A.
Protein change: p.Gln32Lys; replaces glutamine 32 with lysine.
Molecular consequence: missense variant. On other transcripts: 5 prime UTR variant (1), intron variant (1).
Genome position (GRCh38, 1-based): chr7:55,142,291, C>A. VCF-style: chr7-55142291-C-A. GRCh37 (hg19) VCF-style: chr7-55209984-C-A.
Other names: c.94C>A, p.Gln32Lys (NM_001346897.2, NM_001346898.2, NM_001346899.2 and 3 more transcripts); c.-66C>A (NM_001346900.2); c.89-13539C>A (NM_001346941.2); short protein forms Q32K.
Identifiers: ClinVar variation 4016716 (VCV004016716.1).